The following is an entry in ClinVar:

NM_001330311.2(DVL1):c.737C>T (p.Ser246Phe)

Gene: DVL1 (dishevelled segment polarity protein 1; minus strand). Cytogenetic location: 1p36.33.
Variant type: single nucleotide variant.
Coding change: c.737C>T on transcript NM_001330311.2 (MANE Select); coding-DNA position 737, C replaced by T.
Protein change: p.Ser246Phe; replaces serine 246 with phenylalanine.
Molecular consequence: missense variant.
Genome position (GRCh38, 1-based): chr1:1,340,279, G>A on the plus strand (C>T on the coding strand, the complement: DVL1 is on the minus strand). VCF-style: chr1-1340279-G-A. GRCh37 (hg19) VCF-style: chr1-1275659-G-A.
Other names: c.737C>T, p.Ser246Phe (NM_004421.3); short protein forms S246F.
Identifiers: ClinVar variation 692090 (VCV000692090.7), dbSNP rs113333411, ClinGen allele CA520457.

ClinVar aggregate classification (germline): Uncertain significance. Review status: criteria provided, multiple submitters, no conflicts (2 of 4 stars). 2 submissions from 2 submitters: Uncertain significance (2). Last evaluated 2026-01-27.

Conditions:
Autosomal dominant Robinow syndrome 2. Identifiers: Orphanet 3107, Orphanet 97360, MedGen C4225363, MONDO:0014591, OMIM 616331.

Allele frequency attached by ClinVar (database versions not stated): TOPMed 0.00011; ESP Exome Variant Server 0.00008.

Submissions (2):

Labcorp Genetics (formerly Invitae), Labcorp
Classification: Uncertain significance. Last evaluated: 2026-01-27. Review status: criteria provided, single submitter. Criteria: Invitae Variant Classification Sherloc (09022015). Collection method: clinical testing. Allele origin: germline.
Comment: This sequence change replaces serine, which is neutral and polar, with phenylalanine, which is neutral and non-polar, at codon 246 of the DVL1 protein (p.Ser246Phe). This variant is present in population databases (rs113333411, gnomAD 0.04%), and has an allele count higher than expected for a pathogenic variant. This missense change has been observed in individual(s) with clinical features of DVL1-related conditions (PMID: 32564284). ClinVar contains an entry for this variant (Variation ID: 692090). Invitae Evidence Modeling of protein sequence and biophysical properties (such as structural, functional, and spatial information, amino acid conservation, physicochemical variation, residue mobility, and thermodynamic stability) indicates that this missense variant is expected to disrupt DVL1 protein function with a positive predictive value of 80%. In summary, the available evidence is currently insufficient to determine the role of this variant in disease. Therefore, it has been classified as a Variant of Uncertain Significance.

Human Genetics Laboratory, State University of Rio de Janeiro
Classification: Uncertain significance for Autosomal dominant Robinow syndrome 2. Last evaluated: 2019-10-07. Review status: criteria provided, single submitter. Criteria: ACMG Guidelines, 2015. Collection method: research. Allele origin: de novo. Inheritance: Sporadic. Affected: yes.

Literature cited by the submitters: PubMed 32564284 (cited by Labcorp Genetics (formerly Invitae), Labcorp).